The following is an entry in ClinVar:

NM_000152.5(GAA):c.1754+17G>A

Gene: GAA (alpha glucosidase; plus strand). Cytogenetic location: 17q25.3.
Variant type: single nucleotide variant.
Coding change: c.1754+17G>A on transcript NM_000152.5 (MANE Select); 17 bases into the intron after coding-DNA position 1754, G replaced by A.
Molecular consequence: intron variant.
Genome position (GRCh38, 1-based): chr17:80,112,117, G>A. VCF-style: chr17-80112117-G-A. GRCh37 (hg19) VCF-style: chr17-78085916-G-A.
Other names: c.1754+17G>A (NM_001079803.3, NM_001079804.3, LRG_673t1).
Identifiers: ClinVar variation 383034 (VCV000383034.11), dbSNP rs769797291, ClinGen allele CA8815451.
Genomic context (GRCh38, chr17:80,112,117, plus strand): 5'-CTGCACAACCTCTACGGCCTGACCGAAGCCATCGCCTCCCACAGGTGAGGGCCACGTCCC[G>A]CCCCACTGGGCTCTGCCCTCACAGCCTGTCCTACAAGGTTGGGGCCTCTGCAGGGCCTCA-3'

ClinVar aggregate classification (germline): Likely benign. Review status: criteria provided, multiple submitters, no conflicts (2 of 4 stars). 4 submissions from 4 submitters: Likely benign (4). Last evaluated 2026-01-12.

Conditions:
Glycogen storage disease, type II (IOPD). Also called: CARDIOMEGALIA GLYCOGENICA DIFFUSA; GLYCOGENOSIS, GENERALIZED, CARDIAC FORM; GSD II; Glycogen storage disease type 2; Acid maltase deficiency disease; Aglucosidase alfa. Identifiers: Orphanet 365, MedGen C0017921, MONDO:0009290, OMIM 232300.

Allele frequency attached by ClinVar (database versions not stated): gnomAD exomes 0.00003; ExAC 0.00004; gnomAD 0.00005 and 0.00006; TOPMed 0.00006.

Submissions (4):

Labcorp Genetics (formerly Invitae), Labcorp
Classification: Likely benign for Glycogen storage disease, type II. Last evaluated: 2026-01-12. Review status: criteria provided, single submitter. Criteria: Invitae Variant Classification Sherloc (09022015). Collection method: clinical testing. Allele origin: germline.

Blueprint Genetics
Classification: Likely benign. Last evaluated: 2024-07-25. Review status: criteria provided, single submitter. Criteria: ACMG Guidelines, 2015. Collection method: clinical testing. Allele origin: germline.

Fulgent Genetics
Classification: Likely benign for Glycogen storage disease, type II. Last evaluated: 2021-08-12. Review status: criteria provided, single submitter. Criteria: ACMG Guidelines, 2015. Collection method: clinical testing. Allele origin: unknown.

GeneDx
Classification: Likely benign. Last evaluated: 2016-02-17. Review status: criteria provided, single submitter. Criteria: GeneDx Variant Classification (06012015). Collection method: clinical testing. Allele origin: germline. Affected: yes.
Comment: This variant is considered likely benign or benign based on one or more of the following criteria: it is a conservative change, it occurs at a poorly conserved position in the protein, it is predicted to be benign by multiple in silico algorithms, and/or has population frequency not consistent with disease.